The following is an entry in ClinVar:

ClinVar aggregate classification (germline): Conflicting classifications of pathogenicity. Review status: criteria provided, conflicting classifications (1 of 4 stars). 13 submissions from 13 submitters: Uncertain significance (9); Benign (1); Likely benign (2). 1 of the submissions does not count toward it. Last evaluated 2026-01-18.

Conditions:
Breast and/or ovarian cancer. Identifiers: MedGen CN221562.
Pancreatic cancer, susceptibility to, 3. Identifiers: Orphanet 1333, MedGen C3150547, MONDO:0013236, OMIM 613348.
Familial cancer of breast. Also called: hereditary breast carcinoma; BREAST CANCER, FAMILIAL; Hereditary breast cancer. Identifiers: Orphanet 227535, MedGen C0346153, MONDO:0016419, OMIM 114480. Disease mechanism: loss of function.
Fanconi anemia complementation group N. Also called: PALB2-Related Fanconi Anemia. Identifiers: Orphanet 84, MedGen C1835817, MONDO:0012565, OMIM 610832. Disease mechanism: loss of function.
Hereditary cancer-predisposing syndrome. Also called: Tumor predisposition; Hereditary Cancer Syndrome; Neoplastic Syndromes, Hereditary; Hereditary neoplastic syndrome. Identifiers: Orphanet 140162, MedGen C0027672, MeSH D009386, MONDO:0015356.
Ovarian cancer. Also called: OVARIAN CANCER, SOMATIC. Identifiers: Orphanet 213500, MedGen C1140680, MONDO:0008170, OMIM 167000.

Allele frequency attached by ClinVar (database versions not stated): TOPMed 0.00003.
gnomAD v4.1: 82 of 1,614,010 alleles (0.0051%); highest among the groups gnomAD compares: African/African-American, 0.0093%; no homozygotes.

Submissions (13):

Labcorp Genetics (formerly Invitae), Labcorp
Classification: Uncertain significance for Familial cancer of breast. Last evaluated: 2026-01-18. Review status: criteria provided, single submitter. Criteria: Invitae Variant Classification Sherloc (09022015). Collection method: clinical testing. Allele origin: germline.
Comment: This sequence change replaces valine, which is neutral and non-polar, with leucine, which is neutral and non-polar, at codon 1103 of the PALB2 protein (p.Val1103Leu). This variant is present in population databases (rs201657283, gnomAD 0.007%). This variant has not been reported in the literature in individuals affected with PALB2-related conditions. ClinVar contains an entry for this variant (Variation ID: 141974). An algorithm developed to predict the effect of missense changes on protein structure and function (PolyPhen-2) suggests that this variant is likely to be tolerated. Experimental studies have shown that this missense change does not substantially affect PALB2 function (PMID: 31636395). In summary, the available evidence is currently insufficient to determine the role of this variant in disease. Therefore, it has been classified as a Variant of Uncertain Significance.

Quest Diagnostics Nichols Institute San Juan Capistrano
Classification: Uncertain significance. Last evaluated: 2025-08-18. Review status: criteria provided, single submitter. Criteria: Quest Diagnostics criteria. Collection method: clinical testing. Allele origin: unknown.
Comment: The PALB2 c.3307G>C (p.Val1103Leu) variant has been reported in the published literature in a cohort of individuals with breast cancer (PMID: 39402389 (2024)). In large scale breast cancer association studies, this variant has been observed in breast cancer cases and reportedly unaffected individuals (PMID: 28779002 (2017), PMID: 33471991 (2021), see also LOVD). In a functional study, this variant was shown to be not damaging to homology directed DNA repair (PMID: 31636395 (2020)). The frequency of this variant in the general population (Genome Aggregation Database) is uninformative in the assessment of its pathogenicity. Analysis of this variant using bioinformatics tools for the prediction of the effect of amino acid changes on protein structure and function yielded predictions that this variant is benign. Based on the available information, we are unable to determine the clinical significance of this variant.

St. Jude Molecular Pathology, St. Jude Children's Research Hospital
Classification: Uncertain significance for Familial cancer of breast. Last evaluated: 2025-02-05. Review status: criteria provided, single submitter. Criteria: St. Jude Assertion Criteria 2020. Collection method: clinical testing. Allele origin: germline.
Comment: The PALB2 c.3307G>C (p.Val1103Leu) missense change has a maximum subpopulation frequency of 0.006% in gnomAD v2.1.1. The in silico tool REVEL predicts a benign effect on protein function, and this variant was found to behave similar to wildtype in a homology directed DNA repair (HDR) assay (PMID: 31636395). To our knowledge, this variant has not been reported in individuals with Fanconi anemia. In summary, the evidence currently available is insufficient to determine the clinical significance of this variant. It has therefore been classified as of uncertain significance.

Ambry Genetics
Classification: Likely benign for Hereditary cancer-predisposing syndrome. Last evaluated: 2025-01-15. Review status: criteria provided, single submitter. Criteria: Ambry Variant Classification Scheme 2023. Collection method: clinical testing. Allele origin: germline.

Color Diagnostics, LLC DBA Color Health
Classification: Uncertain significance for Hereditary cancer-predisposing syndrome. Last evaluated: 2024-07-09. Review status: criteria provided, single submitter. Criteria: ACMG Guidelines, 2015. Collection method: clinical testing. Allele origin: germline.
Comment: This missense variant replaces valine with leucine at codon 1103 of the PALB2 protein. Computational prediction suggests that this variant may not impact protein structure and function. A functional study has reported that this variant does not impact PALB2 homology-directed repair activity (PMID: 31636395). This variant has been reported in a breast cancer case-control study in 2/13087 cases and 1/5488 unaffected individuals (PMID: 28779002) and in a breast cancer case-control meta-analysis in 4/60466 cases and 4/53461 unaffected individuals with an estimated OR=0.884 (95%CI 0.221 to 3.535) (PMID: 33471991; Leiden Open Variation Database DB-ID PALB2_010667). This variant has been identified in 8/251472 chromosomes in the general population by the Genome Aggregation Database (gnomAD). The available evidence is insufficient to determine the role of this variant in disease conclusively. Therefore, this variant is classified as a Variant of Uncertain Significance.

GeneDx
Classification: Uncertain significance. Last evaluated: 2024-05-20. Review status: criteria provided, single submitter. Criteria: GeneDx Variant Classification Process June 2021. Collection method: clinical testing. Allele origin: germline. Affected: yes.
Comment: In silico analysis supports that this missense variant does not alter protein structure/function; Published functional studies suggest no damaging effect: HDR activity comparable to wild type (PMID: 31636395); This variant is associated with the following publications: (PMID: 21285249, 19609323, 20871615, 24485656, 25085752, 31636395, 33471991, 28779002)

Blueprint Genetics
Classification: Uncertain significance. Last evaluated: 2024-02-23. Review status: criteria provided, single submitter. Criteria: ACMG Guidelines, 2015. Collection method: clinical testing. Allele origin: germline.

Myriad Genetics, Inc.
Classification: Likely benign for Familial cancer of breast. Last evaluated: 2023-03-31. Review status: criteria provided, single submitter. Criteria: Myriad Autosomal Dominant, Autosomal Recessive and X-Linked Classification Criteria (2023). Collection method: clinical testing. Allele origin: unknown.
Comment: This variant is considered likely benign. This variant is strongly associated with less severe personal and family histories of cancer, typical for individuals without pathogenic variants in this gene [PMID: 25085752].

Laboratory of Molecular Epidemiology of Birth Defects, West China Second University Hospital, Sichuan University
Classification: Benign for Ovarian cancer. Last evaluated: 2022-01-01. Review status: criteria provided, single submitter. Criteria: ACMG Guidelines, 2015. Collection method: clinical testing. Allele origin: germline. Affected: yes.

CHEO Genetics Diagnostic Laboratory, Children's Hospital of Eastern Ontario
Classification: Uncertain significance for Breast and/or ovarian cancer. Last evaluated: 2021-10-29. Review status: criteria provided, single submitter. Criteria: ACMG Guidelines, 2015. Collection method: clinical testing. Allele origin: germline.

Women's Health and Genetics/Laboratory Corporation of America, LabCorp
Classification: Uncertain significance. Last evaluated: 2019-11-12. Review status: criteria provided, single submitter. Criteria: LabCorp Variant Classification Summary - May 2015. Collection method: clinical testing. Allele origin: germline.
Comment: Variant summary: PALB2 c.3307G>C (p.Val1103Leu) results in a conservative amino acid change located in the PALB2, WD40 domain (IPR031920) of the encoded protein sequence. Five of five in-silico tools predict a benign effect of the variant on protein function. The variant allele was found at a frequency of 3.2e-05 in 251472 control chromosomes. The available data on variant occurrences in the general population are insufficient to allow any conclusion about variant significance. c.3307G>C has been reported in the literature in a sequencing study evaluating the contribution of rare variants in PALB2 to risk of Breast Cancer (Decker_2017). This report does not provide unequivocal conclusions about association of the variant with Breast Cancer. To our knowledge, no experimental evidence demonstrating an impact on protein function has been reported. Six clinical diagnostic laboratories have submitted clinical-significance assessments for this variant to ClinVar after 2014 without evidence for independent evaluation. All laboratories classified the variant as uncertain significance. Based on the evidence outlined above, the variant was classified as uncertain significance.

Fulgent Genetics
Classification: Uncertain significance for Familial cancer of breast; Fanconi anemia complementation group N; Pancreatic cancer, susceptibility to, 3. Last evaluated: 2018-10-31. Review status: criteria provided, single submitter. Criteria: ACMG Guidelines, 2015. Collection method: clinical testing. Allele origin: unknown.

Counsyl
Classification: Uncertain significance for Familial cancer of breast. Last evaluated: 2017-11-09. Review status: no assertion criteria provided. Collection method: clinical testing. Allele origin: unknown. Not counted in ClinVar's aggregate classification.

Literature cited by the submitters: PubMed 31636395 (cited by 4 submitters); PubMed 28779002 (cited by 5 submitters); PubMed 33471991 (cited by Quest Diagnostics Nichols Institute San Juan Capistrano and Color Diagnostics, LLC DBA Color Health); PubMed 39402389 (cited by Quest Diagnostics Nichols Institute San Juan Capistrano); PubMed 33195396 (cited by Quest Diagnostics Nichols Institute San Juan Capistrano); PubMed 25085752 (cited by Myriad Genetics, Inc.).

NM_024675.4(PALB2):c.3307G>C (p.Val1103Leu)

Gene: PALB2 (partner and localizer of BRCA2; minus strand). Cytogenetic location: 16p12.2.
Variant type: single nucleotide variant.
Coding change: c.3307G>C on transcript NM_024675.4 (MANE Select); coding-DNA position 3307, G replaced by C.
Protein change: p.Val1103Leu; replaces valine 1103 with leucine.
Molecular consequence: missense variant.
Genome position (GRCh38, 1-based): chr16:23,607,907, C>G on the plus strand (G>C on the coding strand, the complement: PALB2 is on the minus strand). VCF-style: chr16-23607907-C-G. GRCh37 (hg19) VCF-style: chr16-23619228-C-G.
Other names: short protein forms V1103L.
Identifiers: ClinVar variation 141974 (VCV000141974.38), dbSNP rs201657283, ClinGen allele CA166991.